The following is an entry in ClinVar:

NM_033004.4(NLRP1):c.2285G>A (p.Arg762His)

Gene: NLRP1 (NLR family pyrin domain containing 1; minus strand). Cytogenetic location: 17p13.2.
Variant type: single nucleotide variant.
Coding change: c.2285G>A on transcript NM_033004.4 (MANE Select); coding-DNA position 2285, G replaced by A.
Protein change: p.Arg762His; replaces arginine 762 with histidine.
Molecular consequence: missense variant.
Genome position (GRCh38, 1-based): chr17:5,558,411, C>T on the plus strand (G>A on the coding strand, the complement: NLRP1 is on the minus strand). VCF-style: chr17-5558411-C-T. GRCh37 (hg19) VCF-style: chr17-5461731-C-T.
Other names: c.2285G>A, p.Arg762His (NM_001033053.3, NM_014922.5, NM_033006.4 and 1 more transcripts); short protein forms R762H.
Identifiers: ClinVar variation 1980702 (VCV001980702.4), dbSNP rs201522159, ClinGen allele CA8327220.

ClinVar aggregate classification (germline): Uncertain significance (1 of 4 stars; one submission).

Allele frequency attached by ClinVar (database versions not stated): ExAC 0.00001; TOPMed 0.00001.
gnomAD v4.1: 29 of 1,613,906 alleles (0.0018%); highest among the groups gnomAD compares: South Asian, 0.0044%; no homozygotes.

Submission:

Labcorp Genetics (formerly Invitae), Labcorp
Classification: Uncertain significance. Last evaluated: 2025-09-29. Review status: criteria provided, single submitter. Criteria: Invitae Variant Classification Sherloc (09022015). Collection method: clinical testing. Allele origin: germline.
Comment: This sequence change replaces arginine, which is basic and polar, with histidine, which is basic and polar, at codon 762 of the NLRP1 protein (p.Arg762His). This variant is present in population databases (rs201522159, gnomAD 0.003%). This variant has not been reported in the literature in individuals affected with NLRP1-related conditions. ClinVar contains an entry for this variant (Variation ID: 1980702). An algorithm developed to predict the effect of missense changes on protein structure and function outputs the following: PolyPhen-2: "Benign". The histidine amino acid residue is found in multiple mammalian species, which suggests that this missense change does not adversely affect protein function. In summary, the available evidence is currently insufficient to determine the role of this variant in disease. Therefore, it has been classified as a Variant of Uncertain Significance.